The following is an entry in ClinVar:

NM_017757.3(ZNF407):c.325G>C (p.Asp109His)

Gene: ZNF407 (zinc finger protein 407; plus strand). Cytogenetic location: 18q22.3.
Variant type: single nucleotide variant.
Coding change: c.325G>C on transcript NM_017757.3 (MANE Select); coding-DNA position 325, G replaced by C.
Protein change: p.Asp109His; replaces aspartic acid 109 with histidine.
Molecular consequence: missense variant.
Genome position (GRCh38, 1-based): chr18:74,631,344, G>C. VCF-style: chr18-74631344-G-C. GRCh37 (hg19) VCF-style: chr18-72343300-G-C.
Other names: c.325G>C, p.Asp109His (NM_001146189.1, NM_001146190.1, NM_001384475.1); short protein forms D109H.
Identifiers: ClinVar variation 2499904 (VCV002499904.1), dbSNP rs372507403, ClinGen allele CA302808098.
Genomic context (GRCh38, chr18:74,631,344, plus strand): 5'-CAAGGTATTTGTAGATTAGAAACTTCTGAGAGCTCAGTCACAGAAGGGGGTATTGCATTA[G>C]ATGAAACAGGGAAGGAGACCTTTCTGAGTGACTGCACAGTTGGAGGCACATGTCTCCCAA-3'
Protein context (NP_060227.2, residues 99-119): SSVTEGGIAL[Asp109His]ETGKETFLSD

ClinVar aggregate classification (germline): Uncertain significance (1 of 4 stars; one submission).

gnomAD v4.1: 3 of 1,614,018 alleles (0.00019%); highest among the groups gnomAD compares: Non-Finnish European, 0.000085%; no homozygotes.

Submission:

GeneDx
Classification: Uncertain significance. Last evaluated: 2022-10-18. Review status: criteria provided, single submitter. Criteria: GeneDx Variant Classification Process June 2021. Collection method: clinical testing. Allele origin: germline. Affected: yes.
Comment: Not observed at significant frequency in large population cohorts (gnomAD); In silico analysis supports that this missense variant does not alter protein structure/function; Has not been previously published as pathogenic or benign to our knowledge